The following is an entry in ClinVar:

NM_206933.4(USH2A):c.6481A>G (p.Ile2161Val)

Gene: USH2A (usherin; minus strand). Cytogenetic location: 1q41.
Variant type: single nucleotide variant.
Coding change: c.6481A>G on transcript NM_206933.4 (MANE Select); coding-DNA position 6481, A replaced by G.
Protein change: p.Ile2161Val; replaces isoleucine 2161 with valine.
Molecular consequence: missense variant.
Genome position (GRCh38, 1-based): chr1:216,000,407, T>C on the plus strand (A>G on the coding strand, the complement: USH2A is on the minus strand). VCF-style: chr1-216000407-T-C. GRCh37 (hg19) VCF-style: chr1-216173749-T-C.
Other names: short protein forms I2161V.
Identifiers: ClinVar variation 1482594 (VCV001482594.5), dbSNP rs146282882, ClinGen allele CA1395135.
Genomic context (GRCh38, chr1:216,000,407, plus strand): 5'-ACTCACTGAGATTCTTGCATGAACCAGCATGTGAGAGAGACAACATTTCTACTTACTGTA[T>C]GTGTATAGTTCTAGAATCCAGGACAGTCAGAACTGGGGAATCCACGTGTTCTGGTGGCAG-3'
Protein context (NP_996816.3, residues 2151-2171): LTVLDSRTIH[Ile2161Val]QWKQPRKISG

ClinVar aggregate classification (germline): Uncertain significance (1 of 4 stars; one submission).

Allele frequency attached by ClinVar (database versions not stated): gnomAD exomes below 0.00001 and 0.00001; gnomAD 0.00001; ExAC 0.00002; 1000 Genomes Project 0.00020; 1000 Genomes Project 30x 0.00031.
gnomAD v4.1: 5 of 1,613,530 alleles (0.00031%); highest among the groups gnomAD compares: Non-Finnish European, 0.00042%; no homozygotes.

Submission:

Labcorp Genetics (formerly Invitae), Labcorp
Classification: Uncertain significance. Last evaluated: 2022-03-02. Review status: criteria provided, single submitter. Criteria: Invitae Variant Classification Sherloc (09022015). Collection method: clinical testing. Allele origin: germline.
Comment: This sequence change replaces isoleucine, which is neutral and non-polar, with valine, which is neutral and non-polar, at codon 2161 of the USH2A protein (p.Ile2161Val). This variant is present in population databases (rs146282882, gnomAD 0.002%). This variant has not been reported in the literature in individuals affected with USH2A-related conditions. Algorithms developed to predict the effect of missense changes on protein structure and function output the following: SIFT: "Tolerated"; PolyPhen-2: "Benign"; Align-GVGD: "Class C0". The valine amino acid residue is found in multiple mammalian species, which suggests that this missense change does not adversely affect protein function. In summary, the available evidence is currently insufficient to determine the role of this variant in disease. Therefore, it has been classified as a Variant of Uncertain Significance.